The following is an entry in ClinVar:

ClinVar aggregate classification (germline): Benign. Review status: criteria provided, multiple submitters, no conflicts (2 of 4 stars). 4 submissions from 4 submitters: Benign (4). Last evaluated 2026-02-02.

Conditions:
Hereditary acrodermatitis enteropathica (AEZ). Also called: Acrodermatitis enteropathica. Identifiers: Orphanet 37, MedGen C0221036, MONDO:0008713, OMIM 201100.

Allele frequency attached by ClinVar (database versions not stated): 1000 Genomes Project 0.01058; 1000 Genomes Project 30x 0.01077; TOPMed 0.01293; ESP Exome Variant Server 0.01360.
gnomAD v4.1: 3,613 of 1,575,994 alleles (0.23%); highest among the groups gnomAD compares: African/African-American, 4.3%; 67 homozygotes.

Submissions (4):

Labcorp Genetics (formerly Invitae), Labcorp
Classification: Benign. Last evaluated: 2026-02-02. Review status: criteria provided, single submitter. Criteria: Invitae Variant Classification Sherloc (09022015). Collection method: clinical testing. Allele origin: germline.

Mayo Clinic Laboratories, Mayo Clinic
Classification: Benign. Last evaluated: 2025-07-29. Review status: criteria provided, single submitter. Criteria: ACMG Guidelines, 2015. Collection method: clinical testing. Allele origin: germline. Observed: 1 variant allele.
Comment: BS1, BS2, BP4, BP7

Illumina Laboratory Services, Illumina
Classification: Benign for Hereditary acrodermatitis enteropathica. Last evaluated: 2018-01-13. Review status: criteria provided, single submitter. Criteria: ICSL Variant Classification Criteria 13 December 2019. Collection method: clinical testing. Allele origin: germline.
Comment: This variant was observed in the ICSL laboratory as part of a predisposition screen in an ostensibly healthy population. It had not been previously curated by ICSL or reported in the Human Gene Mutation Database (HGMD: prior to June 1st, 2018), and was therefore a candidate for classification through an automated scoring system. Utilizing variant allele frequency, disease prevalence and penetrance estimates, and inheritance mode, an automated score was calculated to assess if this variant is too frequent to cause the disease. Based on the score and internal cut-off values, a variant classified as benign is not then subjected to further curation. The score for this variant resulted in a classification of benign for this disease.

Breakthrough Genomics
Classification: Benign. Review status: criteria provided, single submitter. Criteria: ACMG Guidelines, 2015. Collection method: not provided. Allele origin: germline. Inheritance: Autosomal recessive inheritance. Affected: yes.

NM_130849.4(SLC39A4):c.192+5C>A

Gene: SLC39A4 (solute carrier family 39 member 4; minus strand). Cytogenetic location: 8q24.3.
Variant type: single nucleotide variant.
Coding change: c.192+5C>A on transcript NM_130849.4 (MANE Select); 5 bases into the intron after coding-DNA position 192, C replaced by A.
Molecular consequence: intron variant.
Genome position (GRCh38, 1-based): chr8:144,416,593, G>T on the plus strand (C>A on the coding strand, the complement: SLC39A4 is on the minus strand). VCF-style: chr8-144416593-G-T. GRCh37 (hg19) VCF-style: chr8-145641977-G-T.
Identifiers: ClinVar variation 362264 (VCV000362264.16), dbSNP rs73374077, ClinGen allele CA4941831.